The following is an entry in ClinVar:

NM_004369.4(COL6A3):c.8819C>T (p.Thr2940Met)

Gene: COL6A3 (collagen type VI alpha 3 chain; minus strand). Cytogenetic location: 2q37.3.
Variant type: single nucleotide variant.
Coding change: c.8819C>T on transcript NM_004369.4 (MANE Select); coding-DNA position 8819, C replaced by T.
Protein change: p.Thr2940Met; replaces threonine 2940 with methionine.
Molecular consequence: missense variant.
Genome position (GRCh38, 1-based): chr2:237,336,281, G>A on the plus strand (C>T on the coding strand, the complement: COL6A3 is on the minus strand). VCF-style: chr2-237336281-G-A. GRCh37 (hg19) VCF-style: chr2-238244924-G-A.
Other names: c.6998C>T, p.Thr2333Met (NM_057166.5); c.8201C>T, p.Thr2734Met (NM_057167.4); short protein forms T2940M, T2734M, T2333M.
Identifiers: ClinVar variation 197416 (VCV000197416.29), dbSNP rs200626456, ClinGen allele CA245531.

ClinVar aggregate classification (germline): Conflicting classifications of pathogenicity. Review status: criteria provided, conflicting classifications (1 of 4 stars). 7 submissions from 7 submitters: Uncertain significance (5); Likely benign (2). Last evaluated 2026-08-01.

Conditions:
Inborn genetic diseases. Identifiers: MedGen C0950123, MeSH D030342.
Collagen 6-related myopathy. Identifiers: MedGen CN117976, MONDO:0100225.
Bethlem myopathy 1A. Also called: Bethlem Muscular Dystrophy; MYOPATHY, BENIGN CONGENITAL, WITH CONTRACTURES; Bethlem myopathy 1. Identifiers: Orphanet 610, MedGen CN029274, MONDO:0024530, OMIM 158810.

Allele frequency attached by ClinVar (database versions not stated): ExAC 0.00017; gnomAD 0.00017; gnomAD exomes 0.00020 and 0.00021; TOPMed 0.00027; 1000 Genomes Project 0.00040; 1000 Genomes Project 30x 0.00062.
gnomAD v4.1: 321 of 1,614,032 alleles (0.02%); highest among the groups gnomAD compares: East Asian, 0.038%; no homozygotes.

Submissions (7):

CeGaT Center for Human Genetics Tuebingen
Classification: Uncertain significance. Last evaluated: 2026-08-01. Review status: criteria provided, single submitter. Criteria: CeGaT Center For Human Genetics Tuebingen Variant Classification Criteria Version 2. Collection method: clinical testing. Allele origin: germline. Affected: yes. Observed: 2 variant alleles.
Comment: COL6A3: PM2, BP4

Labcorp Genetics (formerly Invitae), Labcorp
Classification: Likely benign for Bethlem myopathy 1A. Last evaluated: 2025-09-24. Review status: criteria provided, single submitter. Criteria: Invitae Variant Classification Sherloc (09022015). Collection method: clinical testing. Allele origin: germline.

GeneDx
Classification: Uncertain significance. Last evaluated: 2023-08-07. Review status: criteria provided, single submitter. Criteria: GeneDx Variant Classification Process June 2021. Collection method: clinical testing. Allele origin: germline. Affected: yes.
Comment: In silico analysis supports that this missense variant does not alter protein structure/function; Has not been previously published as pathogenic or benign to our knowledge

Revvity Omics, Revvity
Classification: Uncertain significance. Last evaluated: 2022-08-16. Review status: criteria provided, single submitter. Criteria: ACMG Guidelines, 2015. Collection method: clinical testing. Allele origin: germline.

Ambry Genetics
Classification: Uncertain significance for Inborn genetic diseases. Last evaluated: 2021-07-20. Review status: criteria provided, single submitter. Criteria: Ambry Variant Classification Scheme 2023. Collection method: clinical testing. Allele origin: germline.

Illumina Laboratory Services, Illumina
Classification: Likely benign for Collagen VI-related myopathy. Last evaluated: 2018-01-13. Review status: criteria provided, single submitter. Criteria: ICSL Variant Classification Criteria 13 December 2019. Collection method: clinical testing. Allele origin: germline.
Comment: This variant was observed in the ICSL laboratory as part of a predisposition screen in an ostensibly healthy population. It had not been previously curated by ICSL or reported in the Human Gene Mutation Database (HGMD: prior to June 1st, 2018), and was therefore a candidate for classification through an automated scoring system. Utilizing variant allele frequency, disease prevalence and penetrance estimates, and inheritance mode, an automated score was calculated to assess if this variant is too frequent to cause the disease. Based on the score and internal cut-off values, a variant classified as likely benign is not then subjected to further curation. The score for this variant resulted in a classification of likely benign for this disease.

Eurofins Ntd Llc (ga)
Classification: Uncertain significance. Last evaluated: 2017-12-11. Review status: criteria provided, single submitter. Criteria: EGL Classification Definitions 2015. Collection method: clinical testing. Allele origin: germline. Observed: 5 variant alleles, 4 heterozygotes, 1 homozygote.